The following is an entry in ClinVar:

ClinVar aggregate classification (germline): Benign. Review status: criteria provided, multiple submitters, no conflicts (2 of 4 stars). 2 submissions from 2 submitters: Benign (2). Last evaluated 2018-01-12.

Conditions:
Acyl-CoA oxidase deficiency. Also called: STRAIGHT-CHAIN ACYL-CoA OXIDASE DEFICIENCY; Pseudoneonatal adrenoleukodystrophy; Peroxisomal acyl-CoA oxidase deficiency. Identifiers: Orphanet 2971, MedGen C1849678, MONDO:0009919, OMIM 264470. Disease mechanism: loss of function.

Allele frequency attached by ClinVar (database versions not stated): 1000 Genomes Project 0.10962; TOPMed 0.10974; 1000 Genomes Project 30x 0.11056; gnomAD 0.11066 and 0.11083; gnomAD exomes 0.14344.

Submissions (2):

Illumina Laboratory Services, Illumina
Classification: Benign for Acyl-CoA oxidase deficiency. Last evaluated: 2018-01-12. Review status: criteria provided, single submitter. Criteria: ICSL Variant Classification Criteria 13 December 2019. Collection method: clinical testing. Allele origin: germline.
Comment: This variant was observed in the ICSL laboratory as part of a predisposition screen in an ostensibly healthy population. It had not been previously curated by ICSL or reported in the Human Gene Mutation Database (HGMD: prior to June 1st, 2018), and was therefore a candidate for classification through an automated scoring system. Utilizing variant allele frequency, disease prevalence and penetrance estimates, and inheritance mode, an automated score was calculated to assess if this variant is too frequent to cause the disease. Based on the score and internal cut-off values, a variant classified as benign is not then subjected to further curation. The score for this variant resulted in a classification of benign for this disease.

Breakthrough Genomics
Classification: Benign. Review status: criteria provided, single submitter. Criteria: ACMG Guidelines, 2015. Collection method: not provided. Allele origin: germline. Inheritance: Autosomal recessive inheritance. Affected: yes.

NM_004035.7(ACOX1):c.*874C>T

Gene: ACOX1 (acyl-CoA oxidase 1; minus strand). Cytogenetic location: 17q25.1.
Variant type: single nucleotide variant.
Coding change: c.*874C>T on transcript NM_004035.7 (MANE Select); 874 bases downstream of the stop codon, C replaced by T.
Molecular consequence: 3 prime UTR variant.
Genome position (GRCh38, 1-based): chr17:75,945,874, G>A on the plus strand (C>T on the coding strand, the complement: ACOX1 is on the minus strand). VCF-style: chr17-75945874-G-A. GRCh37 (hg19) VCF-style: chr17-73941955-G-A.
Other names: c.*874C>T (NM_001185039.2, NM_007292.6).
Identifiers: ClinVar variation 325356 (VCV000325356.6), dbSNP rs12430, ClinGen allele CA10650223.